The following is an entry in ClinVar:

NM_001843.4(CNTN1):c.1380-326G>A

Gene: CNTN1 (contactin 1; plus strand). Cytogenetic location: 12q12.
Variant type: single nucleotide variant.
Coding change: c.1380-326G>A on transcript NM_001843.4 (MANE Select); 326 bases into the intron before coding-DNA position 1380, G replaced by A.
Molecular consequence: intron variant.
Genome position (GRCh38, 1-based): chr12:40,943,271, G>A. VCF-style: chr12-40943271-G-A. GRCh37 (hg19) VCF-style: chr12-41337073-G-A.
Other names: c.1380-326G>A (NM_001256063.2, NM_001256064.2); c.1347-326G>A (NM_175038.2).
Identifiers: ClinVar variation 673809 (VCV000673809.1), dbSNP rs80155908, ClinGen allele CA235405717.

ClinVar aggregate classification (germline): Likely benign (1 of 4 stars; one submission).

Allele frequency attached by ClinVar (database versions not stated): gnomAD 0.02801 and 0.03124; TOPMed 0.02866; 1000 Genomes Project 30x 0.04591; 1000 Genomes Project 0.04932.
gnomAD v4.1: 4,741 of 152,170 alleles (3.1%); highest among the groups gnomAD compares: South Asian, 11%; 97 homozygotes.

Submission:

GeneDx
Classification: Likely benign. Last evaluated: 2018-06-16. Review status: criteria provided, single submitter. Criteria: GeneDx Variant Classification (06012015). Collection method: clinical testing. Allele origin: germline. Affected: yes.
Comment: This variant is considered likely benign or benign based on one or more of the following criteria: it is a conservative change, it occurs at a poorly conserved position in the protein, it is predicted to be benign by multiple in silico algorithms, and/or has population frequency not consistent with disease.